The following is an entry in ClinVar:

NM_000059.4(BRCA2):c.1775A>G (p.Tyr592Cys)

Gene: BRCA2 (BRCA2 DNA repair associated; plus strand). Cytogenetic location: 13q13.1.
Variant type: single nucleotide variant.
Coding change: c.1775A>G on transcript NM_000059.4 (MANE Select); coding-DNA position 1775, A replaced by G.
Protein change: p.Tyr592Cys; replaces tyrosine 592 with cysteine.
Molecular consequence: missense variant.
Genome position (GRCh38, 1-based): chr13:32,333,253, A>G. VCF-style: chr13-32333253-A-G. GRCh37 (hg19) VCF-style: chr13-32907390-A-G.
Other names: short protein forms Y592C.
Identifiers: ClinVar variation 232476 (VCV000232476.20), dbSNP rs772156559, ClinGen allele CA6940540.

ClinVar aggregate classification (germline): Conflicting classifications of pathogenicity. Review status: criteria provided, conflicting classifications (1 of 4 stars). 6 submissions from 6 submitters: Uncertain significance (4); Likely benign (2). Last evaluated 2025-12-09.

Conditions:
Hereditary breast ovarian cancer syndrome. Also called: Hereditary breast and ovarian cancer syndrome; BRCA1- and BRCA2-Associated Hereditary Breast and Ovarian Cancer; Breast and ovarian cancer; Hereditary breast and/or ovarian cancer syndrome; Hereditary breast and ovarian cancer; Hereditary breast and ovarian cancer syndrome (HBOC). Identifiers: Orphanet 145, MedGen C0677776, MeSH D061325, MONDO:0003582. Disease mechanism: loss of function.
Hereditary cancer-predisposing syndrome. Also called: Neoplastic Syndromes, Hereditary; Tumor predisposition; Hereditary Cancer Syndrome; Hereditary neoplastic syndrome. Identifiers: Orphanet 140162, MedGen C0027672, MeSH D009386, MONDO:0015356.
BRCA2-related cancer predisposition. Identifiers: MedGen CN377758, MONDO:0700269.

Allele frequency attached by ClinVar (database versions not stated): gnomAD exomes below 0.00001; ExAC 0.00001; gnomAD 0.00001; TOPMed 0.00001.
gnomAD v4.1: 1 of 1,610,368 alleles (0.000062%); highest among the groups gnomAD compares: African/African-American, 0.0013%; no homozygotes.

Submissions (6):

Labcorp Genetics (formerly Invitae), Labcorp
Classification: Uncertain significance for Hereditary breast ovarian cancer syndrome. Last evaluated: 2025-12-09. Review status: criteria provided, single submitter. Criteria: Invitae Variant Classification Sherloc (09022015). Collection method: clinical testing. Allele origin: germline.
Comment: This sequence change replaces tyrosine, which is neutral and polar, with cysteine, which is neutral and slightly polar, at codon 592 of the BRCA2 protein (p.Tyr592Cys). This variant is present in population databases (rs772156559, gnomAD 0.007%). This variant has not been reported in the literature in individuals affected with BRCA2-related conditions. ClinVar contains an entry for this variant (Variation ID: 232476). Invitae Evidence Modeling of protein sequence and biophysical properties (such as structural, functional, and spatial information, amino acid conservation, physicochemical variation, residue mobility, and thermodynamic stability) indicates that this missense variant is not expected to disrupt BRCA2 protein function with a negative predictive value of 95%. In summary, the available evidence is currently insufficient to determine the role of this variant in disease. Therefore, it has been classified as a Variant of Uncertain Significance.

ARUP Laboratories, Molecular Genetics and Genomics, ARUP Laboratories
Classification: Likely benign. Last evaluated: 2025-07-11. Review status: criteria provided, single submitter. Criteria: ARUP Molecular Germline Variant Investigation Process 2024. Collection method: clinical testing. Allele origin: germline.

All of Us Research Program, National Institutes of Health
Classification: Uncertain significance for BRCA2-related cancer predisposition. Last evaluated: 2024-06-09. Review status: criteria provided, single submitter. Criteria: ACMG Guidelines, 2015. Collection method: clinical testing. Allele origin: germline. Inheritance: Autosomal dominant inheritance. Observed: 1 variant allele, 1 heterozygote.
Comment: This missense variant replaces tyrosine with cysteine at codon 592 of the BRCA2 protein. Computational prediction suggests that this variant may not impact protein structure and function. A functional study has shown that this variant does not impact sensitivity to ADP-ribose and PARP inhibitors in BRCA2-deficient cells (PMID: 32444794). To our knowledge, this variant has not been reported in individuals affected with BRCA2-related disorders in the literature. This variant has been identified in 1/248098 chromosomes in the general population by the Genome Aggregation Database (gnomAD). The available evidence is insufficient to determine the role of this variant in disease conclusively. Therefore, this variant is classified as a Variant of Uncertain Significance.

This study involves interpretation of variants in research participants for the purpose of population health screening. Participant phenotype was not available at the time of variant classification. Additional details can be found in publication PMID: 35346344, PMCID: PMC8962531

Ambry Genetics
Classification: Uncertain significance for Hereditary cancer-predisposing syndrome. Last evaluated: 2024-06-07. Review status: criteria provided, single submitter. Criteria: Ambry Variant Classification Scheme 2023. Collection method: clinical testing. Allele origin: germline.
Comment: The p.Y592C variant (also known as c.1775A>G), located in coding exon 9 of the BRCA2 gene, results from an A to G substitution at nucleotide position 1775. The tyrosine at codon 592 is replaced by cysteine, an amino acid with highly dissimilar properties. This amino acid position is highly conserved in available vertebrate species. In addition, the in silico prediction for this alteration is inconclusive. Since supporting evidence is limited at this time, the clinical significance of this alteration remains unclear.

University of Washington Department of Laboratory Medicine, University of Washington
Classification: Likely benign for Hereditary cancer-predisposing syndrome. Last evaluated: 2023-03-23. Review status: criteria provided, single submitter. Criteria: Dines et al. (Genet Med. 2020). Collection method: curation. Allele origin: germline.
Comment: Missense variant in a coldspot region where missense variants are very unlikely to be pathogenic (PMID:31911673).

BRCA2 exon 10 coldspot. Reclassification based on statistical prior probability.

Women's Health and Genetics/Laboratory Corporation of America, LabCorp
Classification: Uncertain significance. Last evaluated: 2019-08-09. Review status: criteria provided, single submitter. Criteria: LabCorp Variant Classification Summary - May 2015. Collection method: clinical testing. Allele origin: germline.
Comment: Variant summary: BRCA2 c.1775A>G (p.Tyr592Cys) results in a non-conservative amino acid change in the encoded protein sequence. Four of five in-silico tools predict a damaging effect of the variant on protein function. The variant allele was found at a frequency of 4e-06 in 248098 control chromosomes (gnomAD). The available data on variant occurrences in the general population are insufficient to allow any conclusion about variant significance. To our knowledge, no occurrence of c.1775A>G in individuals affected with Hereditary Breast and Ovarian Cancer and no experimental evidence demonstrating its impact on protein function have been reported. Two other clinical diagnostic laboratories have submitted clinical-significance assessments for this variant to ClinVar after 2014 without evidence for independent evaluation, and both of them classified the variant as uncertain significance. Based on the evidence outlined above, the variant was classified as uncertain significance.

Literature cited by the submitters: PubMed 32444794 (cited by All of Us Research Program, National Institutes of Health).